The following is an entry in ClinVar:

ClinVar aggregate classification (germline): Uncertain significance. Review status: criteria provided, multiple submitters, no conflicts (2 of 4 stars). 2 submissions from 2 submitters: Uncertain significance (2). Last evaluated 2025-08-25.

Conditions:
Hereditary cancer-predisposing syndrome. Also called: Tumor predisposition; Neoplastic Syndromes, Hereditary; Hereditary neoplastic syndrome; Hereditary Cancer Syndrome. Identifiers: Orphanet 140162, MedGen C0027672, MeSH D009386, MONDO:0015356.
Ataxia-telangiectasia syndrome (AT). Also called: Ataxia-telangiectasia, complementation group D; AT, COMPLEMENTATION GROUP C; ATAXIA-TELANGIECTASIA, COMPLEMENTATION GROUP A; ATAXIA-TELANGIECTASIA, FRESNO VARIANT; Ataxia-telangiectasia; Ataxia telangiectasia (A-T). Identifiers: Orphanet 100, MedGen C0004135, MONDO:0008840, OMIM 208900.

Allele frequency attached by ClinVar (database versions not stated): TOPMed below 0.00001; ExAC 0.00001.

Submissions (2):

Ambry Genetics
Classification: Uncertain significance for Hereditary cancer-predisposing syndrome. Last evaluated: 2025-08-25. Review status: criteria provided, single submitter. Criteria: Ambry Variant Classification Scheme 2023. Collection method: clinical testing. Allele origin: germline.
Comment: The p.T2947S variant (also known as c.8839A>T), located in coding exon 60 of the ATM gene, results from an A to T substitution at nucleotide position 8839. The threonine at codon 2947 is replaced by serine, an amino acid with similar properties. This amino acid position is highly conserved in available vertebrate species. In addition, the in silico prediction for this alteration is inconclusive. Based on the available evidence, the clinical significance of this variant remains unclear.

Labcorp Genetics (formerly Invitae), Labcorp
Classification: Uncertain significance for Ataxia-telangiectasia syndrome. Last evaluated: 2024-09-02. Review status: criteria provided, single submitter. Criteria: Invitae Variant Classification Sherloc (09022015). Collection method: clinical testing. Allele origin: germline.
Comment: This sequence change replaces threonine, which is neutral and polar, with serine, which is neutral and polar, at codon 2947 of the ATM protein (p.Thr2947Ser). This variant is not present in population databases (gnomAD no frequency). This variant has not been reported in the literature in individuals affected with ATM-related conditions. ClinVar contains an entry for this variant (Variation ID: 941310). An algorithm developed to predict the effect of missense changes on protein structure and function (PolyPhen-2) suggests that this variant is likely to be disruptive. In summary, the available evidence is currently insufficient to determine the role of this variant in disease. Therefore, it has been classified as a Variant of Uncertain Significance.

NM_000051.4(ATM):c.8839A>T (p.Thr2947Ser)

Genes: C11orf65 (chromosome 11 open reading frame 65; minus strand), ATM (ATM serine/threonine kinase; plus strand). Cytogenetic location: 11q22.3.
Variant type: single nucleotide variant.
Coding change: c.8839A>T on transcript NM_000051.4 (MANE Select); coding-DNA position 8839, A replaced by T.
Protein change: p.Thr2947Ser; replaces threonine 2947 with serine.
Molecular consequence: missense variant. On other transcripts: intron variant (2).
Genome position (GRCh38, 1-based): chr11:108,354,863, A>T. VCF-style: chr11-108354863-A-T. GRCh37 (hg19) VCF-style: chr11-108225590-A-T.
Other names: c.8839A>T, p.Thr2947Ser (NM_001351834.2); c.640+31057T>A (NM_001330368.2); c.695-19571T>A (NM_001351110.2); short protein forms T2947S.
Identifiers: ClinVar variation 941310 (VCV000941310.13), dbSNP rs760950400, ClinGen allele CA6266460.